The following is an entry in ClinVar:

NM_001083116.3(PRF1):c.310C>T (p.Arg104Cys)

Gene: PRF1 (perforin 1; minus strand). Cytogenetic location: 10q22.1.
Variant type: single nucleotide variant.
Coding change: c.310C>T on transcript NM_001083116.3 (MANE Select); coding-DNA position 310, C replaced by T.
Protein change: p.Arg104Cys; replaces arginine 104 with cysteine.
Molecular consequence: missense variant.
Genome position (GRCh38, 1-based): chr10:70,600,593, G>A on the plus strand (C>T on the coding strand, the complement: PRF1 is on the minus strand). VCF-style: chr10-70600593-G-A. GRCh37 (hg19) VCF-style: chr10-72360349-G-A.
Other names: c.310C>T, p.Arg104Cys (NM_005041.6); short protein forms R104C.
Identifiers: ClinVar variation 951295 (VCV000951295.8), dbSNP rs547723649, ClinGen allele CA5539078.

ClinVar aggregate classification (germline): Uncertain significance. Review status: criteria provided, multiple submitters, no conflicts (2 of 4 stars). 4 submissions from 4 submitters: Uncertain significance (4). Last evaluated 2025-01-29.

Conditions:
Inborn genetic diseases. Identifiers: MedGen C0950123, MeSH D030342.
Familial hemophagocytic lymphohistiocytosis 2 (FHL2). Also called: PRF1-Related Familial Hemophagocytic Lymphohistiocytosis (PRF1-fHLH). Identifiers: Orphanet 540, MedGen C1863727, MONDO:0011337, OMIM 603553.

Allele frequency attached by ClinVar (database versions not stated): gnomAD exomes 0.00004 and 0.00007; ExAC 0.00008; gnomAD 0.00010; 1000 Genomes Project 30x 0.00016; 1000 Genomes Project 0.00020; TOPMed 0.00020.
gnomAD v4.1: 87 of 1,613,624 alleles (0.0054%); highest among the groups gnomAD compares: Middle Eastern, 0.05%; 1 homozygote.

Submissions (4):

GeneDx
Classification: Uncertain significance. Last evaluated: 2025-01-29. Review status: criteria provided, single submitter. Criteria: GeneDx Variant Classification Process June 2021. Collection method: clinical testing. Allele origin: germline. Affected: yes.
Comment: Identified in the heterozygous state in a patient with late-onset FHL who also harbored a hypomorphic PRF1 risk allele (PMID: 38474010); Identified in the heterozygous state in a patient with PIGN-congenital disorder of glycosylation who has diagnostic compound heterozygous variants in the PIGN gene (PMID: 38509968); In silico analysis supports that this missense variant has a deleterious effect on protein structure/function; This variant is associated with the following publications: (PMID: 38509968, 38474010)

Blueprint Genetics
Classification: Uncertain significance. Last evaluated: 2024-09-12. Review status: criteria provided, single submitter. Criteria: ACMG Guidelines, 2015. Collection method: clinical testing. Allele origin: germline.

Ambry Genetics
Classification: Uncertain significance for Inborn genetic diseases. Last evaluated: 2023-12-14. Review status: criteria provided, single submitter. Criteria: Ambry Variant Classification Scheme 2023. Collection method: clinical testing. Allele origin: germline.

Labcorp Genetics (formerly Invitae), Labcorp
Classification: Uncertain significance for Familial hemophagocytic lymphohistiocytosis 2. Last evaluated: 2022-09-27. Review status: criteria provided, single submitter. Criteria: Invitae Variant Classification Sherloc (09022015). Collection method: clinical testing. Allele origin: germline.
Comment: This sequence change replaces arginine, which is basic and polar, with cysteine, which is neutral and slightly polar, at codon 104 of the PRF1 protein (p.Arg104Cys). This variant is present in population databases (rs547723649, gnomAD 0.03%). This variant has not been reported in the literature in individuals affected with PRF1-related conditions. ClinVar contains an entry for this variant (Variation ID: 951295). Advanced modeling of protein sequence and biophysical properties (such as structural, functional, and spatial information, amino acid conservation, physicochemical variation, residue mobility, and thermodynamic stability) has been performed at Invitae for this missense variant, however the output from this modeling did not meet the statistical confidence thresholds required to predict the impact of this variant on PRF1 protein function. In summary, the available evidence is currently insufficient to determine the role of this variant in disease. Therefore, it has been classified as a Variant of Uncertain Significance.